The following is an entry in ClinVar:

ClinVar aggregate classification (germline): Uncertain significance (1 of 4 stars; one submission).

Conditions:
Hypertrophic cardiomyopathy 26. Also called: Cardiomyopathy, familial hypertrophic, 26. Identifiers: Orphanet 75249, MedGen C4310749, MONDO:0014883, OMIM 617047.
Myofibrillar myopathy 5. Also called: Filaminopathy (type); FILAMINOPATHY, AUTOSOMAL DOMINANT. Identifiers: Orphanet 171445, MedGen C1836050, MONDO:0012289, OMIM 609524.
Distal myopathy with posterior leg and anterior hand involvement. Also called: WILLIAMS DISTAL MYOPATHY. Identifiers: Orphanet 63273, MedGen C3279722, MONDO:0013550, OMIM 614065.

Submission:

Labcorp Genetics (formerly Invitae), Labcorp
Classification: Uncertain significance for Distal myopathy with posterior leg and anterior hand involvement; Myofibrillar myopathy 5; Hypertrophic cardiomyopathy 26. Last evaluated: 2023-11-03. Review status: criteria provided, single submitter. Criteria: Invitae Variant Classification Sherloc (09022015). Collection method: clinical testing. Allele origin: germline.
Comment: This sequence change replaces lysine, which is basic and polar, with asparagine, which is neutral and polar, at codon 2576 of the FLNC protein (p.Lys2576Asn). This variant is not present in population databases (gnomAD no frequency). This variant has not been reported in the literature in individuals affected with FLNC-related conditions. Advanced modeling of protein sequence and biophysical properties (such as structural, functional, and spatial information, amino acid conservation, physicochemical variation, residue mobility, and thermodynamic stability) performed at Invitae indicates that this missense variant is not expected to disrupt FLNC protein function with a negative predictive value of 95%. In summary, the available evidence is currently insufficient to determine the role of this variant in disease. Therefore, it has been classified as a Variant of Uncertain Significance.

NM_001458.5(FLNC):c.7728G>T (p.Lys2576Asn)

Genes: FLNC-AS1 (FLNC antisense RNA 1; minus strand), FLNC (filamin C; plus strand). Cytogenetic location: 7q32.1.
Variant type: single nucleotide variant.
Coding change: c.7728G>T on transcript NM_001458.5 (MANE Select); coding-DNA position 7728, G replaced by T.
Protein change: p.Lys2576Asn; replaces lysine 2576 with asparagine.
Molecular consequence: missense variant.
Genome position (GRCh38, 1-based): chr7:128,857,284, G>T. VCF-style: chr7-128857284-G-T. GRCh37 (hg19) VCF-style: chr7-128497338-G-T.
Other names: c.7629G>T, p.Lys2543Asn (NM_001127487.2); short protein forms K2543N, K2576N.
Identifiers: ClinVar variation 2953528 (VCV002953528.3), dbSNP rs2536671496, ClinGen allele CA369219859.